The following is an entry in ClinVar:

NM_001330260.2(SCN8A):c.3140A>G (p.Asn1047Ser)

Gene: SCN8A (sodium voltage-gated channel alpha subunit 8; plus strand). Cytogenetic location: 12q13.13.
Variant type: single nucleotide variant.
Coding change: c.3140A>G on transcript NM_001330260.2 (MANE Select); coding-DNA position 3140, A replaced by G.
Protein change: p.Asn1047Ser; replaces asparagine 1047 with serine.
Molecular consequence: missense variant.
Genome position (GRCh38, 1-based): chr12:51,769,103, A>G. VCF-style: chr12-51769103-A-G. GRCh37 (hg19) VCF-style: chr12-52162887-A-G.
Other names: c.3140A>G, p.Asn1047Ser (NM_001177984.3, NM_001369788.1, NM_014191.4); short protein forms N1047S.
Identifiers: ClinVar variation 1003965 (VCV001003965.9), dbSNP rs762469719, ClinGen allele CA6571551.

ClinVar aggregate classification (germline): Uncertain significance (1 of 4 stars; one submission).

Conditions:
Early-infantile DEE. Also called: Early infantile epileptic encephalopathy with suppression bursts; Ohtahara syndrome; Early infantile epileptic encephalopathy. Identifiers: Orphanet 1934, MedGen C0393706, MONDO:0800491.

Allele frequency attached by ClinVar (database versions not stated): TOPMed below 0.00001; ExAC 0.00001; gnomAD 0.00001; gnomAD exomes 0.00002.
gnomAD v4.1: 43 of 1,613,620 alleles (0.0027%); highest among the groups gnomAD compares: East Asian, 0.038%; no homozygotes.

Submission:

Labcorp Genetics (formerly Invitae), Labcorp
Classification: Uncertain significance for Early-infantile DEE. Last evaluated: 2024-07-15. Review status: criteria provided, single submitter. Criteria: Invitae Variant Classification Sherloc (09022015). Collection method: clinical testing. Allele origin: germline.
Comment: This sequence change replaces asparagine, which is neutral and polar, with serine, which is neutral and polar, at codon 1047 of the SCN8A protein (p.Asn1047Ser). This variant is present in population databases (rs762469719, gnomAD 0.01%). This variant has not been reported in the literature in individuals affected with SCN8A-related conditions. ClinVar contains an entry for this variant (Variation ID: 1003965). Advanced modeling of protein sequence and biophysical properties (such as structural, functional, and spatial information, amino acid conservation, physicochemical variation, residue mobility, and thermodynamic stability) performed at Invitae indicates that this missense variant is not expected to disrupt SCN8A protein function with a negative predictive value of 95%. In summary, the available evidence is currently insufficient to determine the role of this variant in disease. Therefore, it has been classified as a Variant of Uncertain Significance.